The following is an entry in ClinVar:

ClinVar aggregate classification (germline): Uncertain significance. Review status: criteria provided, multiple submitters, no conflicts (2 of 4 stars). 2 submissions from 2 submitters: Uncertain significance (2). Last evaluated 2025-04-13.

Conditions:
Hereditary cancer-predisposing syndrome. Also called: Neoplastic Syndromes, Hereditary; Tumor predisposition; Hereditary Cancer Syndrome; Hereditary neoplastic syndrome. Identifiers: Orphanet 140162, MedGen C0027672, MeSH D009386, MONDO:0015356.
Neuroblastoma, susceptibility to, 3. Also called: ALK-Related Neuroblastic Tumor Susceptibility. Identifiers: Orphanet 635, MedGen C2751681, MONDO:0013083, OMIM 613014.

Allele frequency attached by ClinVar (database versions not stated): gnomAD 0.00001.
gnomAD v4.1: 1 of 1,613,894 alleles (0.000062%); highest among the groups gnomAD compares: African/African-American, 0.0013%; no homozygotes.

Submissions (2):

Ambry Genetics
Classification: Uncertain significance for Hereditary cancer-predisposing syndrome. Last evaluated: 2025-04-13. Review status: criteria provided, single submitter. Criteria: Ambry Variant Classification Scheme 2023. Collection method: clinical testing. Allele origin: germline.
Comment: The p.G1619V variant (also known as c.4856G>T), located in coding exon 29 of the ALK gene, results from a G to T substitution at nucleotide position 4856. The glycine at codon 1619 is replaced by valine, an amino acid with dissimilar properties. This amino acid position is conserved. In addition, this alteration is predicted to be tolerated by in silico analysis. Since supporting evidence is limited at this time, the clinical significance of this alteration remains unclear.

Labcorp Genetics (formerly Invitae), Labcorp
Classification: Uncertain significance for Neuroblastoma, susceptibility to, 3. Last evaluated: 2023-10-28. Review status: criteria provided, single submitter. Criteria: Invitae Variant Classification Sherloc (09022015). Collection method: clinical testing. Allele origin: germline.
Comment: This sequence change replaces glycine, which is neutral and non-polar, with valine, which is neutral and non-polar, at codon 1619 of the ALK protein (p.Gly1619Val). This variant is present in population databases (no rsID available, gnomAD 0.01%). This variant has not been reported in the literature in individuals affected with ALK-related conditions. ClinVar contains an entry for this variant (Variation ID: 1743598). An algorithm developed to predict the effect of missense changes on protein structure and function (PolyPhen-2) suggests that this variant is likely to be disruptive. In summary, the available evidence is currently insufficient to determine the role of this variant in disease. Therefore, it has been classified as a Variant of Uncertain Significance.

NM_004304.5(ALK):c.4856G>T (p.Gly1619Val)

Gene: ALK (ALK receptor tyrosine kinase; minus strand). Cytogenetic location: 2p23.2.
Variant type: single nucleotide variant.
Coding change: c.4856G>T on transcript NM_004304.5 (MANE Select); coding-DNA position 4856, G replaced by T.
Protein change: p.Gly1619Val; replaces glycine 1619 with valine.
Molecular consequence: missense variant.
Genome position (GRCh38, 1-based): chr2:29,193,231, C>A on the plus strand (G>T on the coding strand, the complement: ALK is on the minus strand). VCF-style: chr2-29193231-C-A. GRCh37 (hg19) VCF-style: chr2-29416097-C-A.
Other names: c.1652G>T, p.Gly551Val (NM_001353765.2); short protein forms G551V, G1619V.
Identifiers: ClinVar variation 1743598 (VCV001743598.6), dbSNP rs1400620079, ClinGen allele CA346459998.
Genomic context (GRCh38, chr2:29,193,231, plus strand): 5'-CTCCTCCACGGTCTTAGGGATCCCAAGGAAGAGAAGTGAGTGTGCGACCGAGCTCAGGGC[C>A]CAGGCTGGTTCATGCTATTCTTGCTTTTCAGAATGGTATCCTCGTAATGACCAGCTCCAG-3'
Protein context (NP_004295.2, residues 1609-1620): LKSKNSMNQP[Gly1619Val]P